The following is an entry in ClinVar:

ClinVar aggregate classification (germline): Uncertain significance. Review status: criteria provided, multiple submitters, no conflicts (2 of 4 stars). 2 submissions from 2 submitters: Uncertain significance (2). Last evaluated 2025-02-13.

Conditions:
Retinitis pigmentosa 59 (RP59). Identifiers: Orphanet 791, MedGen C3151227, MONDO:0013468, OMIM 613861.

Allele frequency attached by ClinVar (database versions not stated): gnomAD exomes 0.00001.
gnomAD v4.1: 15 of 1,614,108 alleles (0.00093%); highest among the groups gnomAD compares: Non-Finnish European, 0.0012%; no homozygotes.

Submissions (2):

Labcorp Genetics (formerly Invitae), Labcorp
Classification: Uncertain significance for Retinitis pigmentosa 59. Last evaluated: 2025-02-13. Review status: criteria provided, single submitter. Criteria: Invitae Variant Classification Sherloc (09022015). Collection method: clinical testing. Allele origin: germline.
Comment: This sequence change replaces glutamic acid, which is acidic and polar, with glycine, which is neutral and non-polar, at codon 285 of the DHDDS protein (p.Glu285Gly). This variant is present in population databases (no rsID available, gnomAD 0.0009%). This variant has not been reported in the literature in individuals affected with DHDDS-related conditions. ClinVar contains an entry for this variant (Variation ID: 1986404). An algorithm developed to predict the effect of missense changes on protein structure and function (PolyPhen-2) suggests that this variant is likely to be tolerated. In summary, the available evidence is currently insufficient to determine the role of this variant in disease. Therefore, it has been classified as a Variant of Uncertain Significance.

Blueprint Genetics
Classification: Uncertain significance. Last evaluated: 2022-07-22. Review status: criteria provided, single submitter. Criteria: ACMG Guidelines, 2015. Collection method: clinical testing. Allele origin: germline.

NM_205861.3(DHDDS):c.851A>G (p.Glu284Gly)

Gene: DHDDS (dehydrodolichyl diphosphate synthase subunit; plus strand). Cytogenetic location: 1p36.11.
Variant type: single nucleotide variant.
Coding change: c.851A>G on transcript NM_205861.3 (MANE Select); coding-DNA position 851, A replaced by G.
Protein change: p.Glu284Gly; replaces glutamic acid 284 with glycine.
Molecular consequence: missense variant.
Genome position (GRCh38, 1-based): chr1:26,468,980, A>G. VCF-style: chr1-26468980-A-G. GRCh37 (hg19) VCF-style: chr1-26795471-A-G.
Other names: c.749A>G, p.Glu250Gly (NM_001243564.2); c.734A>G, p.Glu245Gly (NM_001243565.2); c.572A>G, p.Glu191Gly (NM_001319959.2); c.854A>G, p.Glu285Gly (NM_024887.4); short protein forms E245G, E250G, E285G, E191G, E284G.
Identifiers: ClinVar variation 1986404 (VCV001986404.4), dbSNP rs1448050850, ClinGen allele CA339145685.